The following is an entry in ClinVar:

NM_003000.3(SDHB):c.287-15G>A

Gene: SDHB (succinate dehydrogenase complex iron sulfur subunit B; minus strand). Cytogenetic location: 1p36.13.
Variant type: single nucleotide variant.
Coding change: c.287-15G>A on transcript NM_003000.3 (MANE Select); 15 bases into the intron before coding-DNA position 287, G replaced by A.
Molecular consequence: intron variant.
Genome position (GRCh38, 1-based): chr1:17,028,751, C>T on the plus strand (G>A on the coding strand, the complement: SDHB is on the minus strand). VCF-style: chr1-17028751-C-T. GRCh37 (hg19) VCF-style: chr1-17355246-C-T.
Other names: c.287-15G>A (NM_001407361.1).
Identifiers: ClinVar variation 3904538 (VCV003904538.1).

ClinVar aggregate classification (germline): Likely benign (1 of 4 stars; one submission).

Conditions:
Pheochromocytoma/paraganglioma syndrome 4. Also called: CAROTID BODY TUMORS AND MULTIPLE EXTRAADRENAL PHEOCHROMOCYTOMAS; PARAGANGLIOMA, FAMILIAL MALIGNANT; PARAGANGLIOMAS, HEREDITARY EXTRAADRENAL; PHEOCHROMOCYTOMA, FAMILIAL EXTRAADRENAL; Paragangliomas 4; SDHB-Related Hereditary Paraganglioma-Pheochromocytoma Syndrome (Paragangliomas 4). Identifiers: Orphanet 29072, MedGen C1861848, MONDO:0007273, OMIM 115310.

gnomAD v4.1: 2 of 1,613,286 alleles (0.00012%); highest among the groups gnomAD compares: Non-Finnish European, 0.00017%; no homozygotes.

Submission:

Myriad Genetics, Inc.
Classification: Likely benign for Pheochromocytoma/paraganglioma syndrome 4. Last evaluated: 2025-03-12. Review status: criteria provided, single submitter. Criteria: Myriad Autosomal Dominant, Autosomal Recessive and X-Linked Classification Criteria (2023). Collection method: clinical testing. Allele origin: unknown.
Comment: This variant is considered likely benign. This variant is intronic and is not expected to impact mRNA splicing.